The following is an entry in ClinVar:

NM_033305.3(VPS13A):c.8775C>T (p.Thr2925=)

Gene: VPS13A (vacuolar protein sorting 13 homolog A; plus strand). Cytogenetic location: 9q21.2.
Variant type: single nucleotide variant.
Coding change: c.8775C>T on transcript NM_033305.3 (MANE Select); coding-DNA position 8775, C replaced by T.
Protein change: p.Thr2925=; no amino-acid change (threonine 2925 retained).
Molecular consequence: synonymous variant.
Genome position (GRCh38, 1-based): chr9:77,370,446, C>T. VCF-style: chr9-77370446-C-T. GRCh37 (hg19) VCF-style: chr9-79985362-C-T.
Other names: c.8658C>T, p.Thr2886= (NM_001018037.2); c.8775C>T, p.Thr2925= (NM_001018038.3, NM_015186.4); c.8775C>T (NM_033305.2).
Identifiers: ClinVar variation 1119302 (VCV001119302.11), dbSNP rs200321658, ClinGen allele CA5093759.

ClinVar aggregate classification (germline): Likely benign. Review status: criteria provided, single submitter (1 of 4 stars). 2 submissions from 2 submitters: Likely benign (1). 1 of the submissions does not count toward it. Last evaluated 2024-06-12.

Conditions:
VPS13A-related disorder. Also called: VPS13A-related condition.

Allele frequency attached by ClinVar (database versions not stated): gnomAD exomes 0.00002 and 0.00005; ExAC 0.00005; gnomAD 0.00005 and 0.00006; TOPMed 0.00006; 1000 Genomes Project 30x 0.00016; 1000 Genomes Project 0.00020.
gnomAD v4.1: 76 of 1,614,116 alleles (0.0047%); highest among the groups gnomAD compares: African/African-American, 0.013%; no homozygotes.

Submissions (2):

Labcorp Genetics (formerly Invitae), Labcorp
Classification: Likely benign. Last evaluated: 2024-06-12. Review status: criteria provided, single submitter. Criteria: Invitae Variant Classification Sherloc (09022015). Collection method: clinical testing. Allele origin: germline.

PreventionGenetics, part of Exact Sciences
Classification: Likely benign for VPS13A-related condition. Last evaluated: 2022-07-06. Review status: no assertion criteria provided. Collection method: clinical testing. Allele origin: germline. Not counted in ClinVar's aggregate classification.
Comment: This variant is classified as likely benign based on ACMG/AMP sequence variant interpretation guidelines (Richards et al. 2015 PMID: 25741868, with internal and published modifications).